The following is an entry in ClinVar:

ClinVar aggregate classification (germline): Uncertain significance (1 of 4 stars; one submission).

Conditions:
Cardiovascular phenotype. Identifiers: MedGen CN230736.

gnomAD v4.1: 5 of 1,613,882 alleles (0.00031%); highest among the groups gnomAD compares: Non-Finnish European, 0.00042%; no homozygotes.

Submission:

Ambry Genetics
Classification: Uncertain significance for Cardiovascular phenotype. Last evaluated: 2024-05-02. Review status: criteria provided, single submitter. Criteria: Ambry Variant Classification Scheme 2023. Collection method: clinical testing. Allele origin: germline.
Comment: The p.P71L variant (also known as c.212C>T), located in coding exon 1 of the SCN10A gene, results from a C to T substitution at nucleotide position 212. The proline at codon 71 is replaced by leucine, an amino acid with similar properties. This amino acid position is conserved. In addition, this alteration is predicted to be deleterious by in silico analysis. Based on the available evidence, the clinical significance of this variant remains unclear.

NM_006514.4(SCN10A):c.212C>T (p.Pro71Leu)

Gene: SCN10A (sodium voltage-gated channel alpha subunit 10; minus strand). Cytogenetic location: 3p22.2.
Variant type: single nucleotide variant.
Coding change: c.212C>T on transcript NM_006514.4 (MANE Select); coding-DNA position 212, C replaced by T.
Protein change: p.Pro71Leu; replaces proline 71 with leucine.
Molecular consequence: missense variant.
Genome position (GRCh38, 1-based): chr3:38,793,799, G>A on the plus strand (C>T on the coding strand, the complement: SCN10A is on the minus strand). VCF-style: chr3-38793799-G-A. GRCh37 (hg19) VCF-style: chr3-38835290-G-A.
Other names: c.212C>T, p.Pro71Leu (NM_001293306.2, NM_001293307.2); short protein forms P71L.
Identifiers: ClinVar variation 3316519 (VCV003316519.1).